The following is an entry in ClinVar:

ClinVar aggregate classification (germline): Conflicting classifications of pathogenicity. Review status: criteria provided, conflicting classifications (1 of 4 stars). 2 submissions from 2 submitters: Likely pathogenic (1); Uncertain significance (1). Last evaluated 2022-11-08.

Conditions:
Early-infantile DEE. Also called: Ohtahara syndrome; Early infantile epileptic encephalopathy; Early infantile epileptic encephalopathy with suppression bursts. Identifiers: Orphanet 1934, MedGen C0393706, MONDO:0800491.

Submissions (2):

Labcorp Genetics (formerly Invitae), Labcorp
Classification: Uncertain significance for Early-infantile DEE. Last evaluated: 2022-11-08. Review status: criteria provided, single submitter. Criteria: Invitae Variant Classification Sherloc (09022015). Collection method: clinical testing. Allele origin: germline.
Comment: Advanced modeling of protein sequence and biophysical properties (such as structural, functional, and spatial information, amino acid conservation, physicochemical variation, residue mobility, and thermodynamic stability) performed at Invitae indicates that this missense variant is expected to disrupt SCN1A protein function. In summary, the available evidence is currently insufficient to determine the role of this variant in disease. Therefore, it has been classified as a Variant of Uncertain Significance. ClinVar contains an entry for this variant (Variation ID: 206806). This sequence change replaces isoleucine, which is neutral and non-polar, with serine, which is neutral and polar, at codon 1228 of the SCN1A protein (p.Ile1228Ser). This variant is not present in population databases (gnomAD no frequency). This missense change has been observed in individual(s) with clinical features of SCN1A-related conditions (PMID: 29655203; Invitae).

GeneDx
Classification: Likely pathogenic. Last evaluated: 2018-06-15. Review status: criteria provided, single submitter. Criteria: GeneDx Variant Classification (06012015). Collection method: clinical testing. Allele origin: germline. Affected: yes.
Comment: The Ile1228Ser missense change has not been published as a mutation, nor has it been reported as a benign polymorphism to our knowledge. The NHLBI ESP Exome Variant Project has not identified Ile1228Ser in approximately 6,500 individuals of European or African American ethnicity, indicating that it is not a common benign variant in these populations. The amino acid substitution is non-conservative, as a non-polar Isoleucine residue is replaced by a polar Serine residue. It alters a highly conserved position in the S1 segment of the third transmembrane domain, and other missense mutations in this region have been reported in association with SCN1A-related disorders. Additionally, multiple in silico algorithms predict Ile228Ser is damaging to protein structure/function. Therefore, based on the currently available information, Ile1228Ser is a strong candidate for a disease-causing mutation, although the possibility that it is a benign variant cannot be excluded.The variant is found in INFANT-EPI panel(s).

Literature cited by the submitters: PubMed 29655203 (cited by Labcorp Genetics (formerly Invitae), Labcorp).

NM_001165963.4(SCN1A):c.3683T>G (p.Ile1228Ser)

Genes: SCN1A (sodium voltage-gated channel alpha subunit 1; minus strand), LOC102724058 (uncharacterized LOC102724058; plus strand). Cytogenetic location: 2q24.3.
Variant type: single nucleotide variant.
Coding change: c.3683T>G on transcript NM_001165963.4 (MANE Select); coding-DNA position 3683, T replaced by G.
Protein change: p.Ile1228Ser; replaces isoleucine 1228 with serine.
Molecular consequence: missense variant. On other transcripts: non-coding transcript variant (1).
Genome position (GRCh38, 1-based): chr2:166,013,766, A>C on the plus strand (T>G on the coding strand, the complement: SCN1A is on the minus strand). VCF-style: chr2-166013766-A-C. GRCh37 (hg19) VCF-style: chr2-166870276-A-C.
Other names: p.I1228S:ATT>AGT; c.3599T>G, p.Ile1200Ser (NM_001165964.3, NM_001353957.2, NM_001353958.2); c.3683T>G, p.Ile1228Ser (NM_001202435.3, NM_001353948.2); c.3650T>G, p.Ile1217Ser (NM_001353949.2, NM_001353950.2, NM_001353951.2 and 2 more transcripts); c.3647T>G, p.Ile1216Ser (NM_001353954.2, NM_001353955.2); c.3596T>G, p.Ile1199Ser (NM_001353960.2); c.1241T>G, p.Ile414Ser (NM_001353961.2); short protein forms I1217S, I1228S, I1216S, I1199S, I1200S, I414S.
Identifiers: ClinVar variation 206806 (VCV000206806.5), dbSNP rs796052997, ClinGen allele CA317387.